The following is an entry in ClinVar:

ClinVar aggregate classification (germline): Uncertain significance. Review status: criteria provided, multiple submitters, no conflicts (2 of 4 stars). 4 submissions from 4 submitters: Uncertain significance (4). Last evaluated 2023-06-28.

Conditions:
Retinitis pigmentosa 86. Identifiers: MedGen C5231428, MONDO:0032834, OMIM 618613.

Allele frequency attached by ClinVar (database versions not stated): gnomAD exomes below 0.00001 and 0.00001; TOPMed 0.00001; ExAC 0.00001; gnomAD 0.00002.
gnomAD v4.1: 20 of 1,613,808 alleles (0.0012%); highest among the groups gnomAD compares: Middle Eastern, 0.016%; no homozygotes.

Submissions (4):

3billion
Classification: Uncertain significance for Retinitis pigmentosa 86. Last evaluated: 2023-06-28. Review status: criteria provided, single submitter. Criteria: ACMG Guidelines, 2015. Collection method: clinical testing. Allele origin: germline. Affected: yes.
Comment: The variant is observed at an extremely low frequency in the gnomAD v2.1.1 dataset (total allele frequency: <0.001%). Predicted Consequence/Location: Missense variant In silico tool predictions suggest damaging effect of the variant on gene or gene product (REVEL: 0.46; 3Cnet: 0.98). Therefore, this variant is classified as VUS according to the recommendation of ACMG/AMP guideline.

Labcorp Genetics (formerly Invitae), Labcorp
Classification: Uncertain significance. Last evaluated: 2021-04-13. Review status: criteria provided, single submitter. Criteria: Invitae Variant Classification Sherloc (09022015). Collection method: clinical testing. Allele origin: germline.
Comment: In summary, the available evidence is currently insufficient to determine the role of this variant in disease. Therefore, it has been classified as a Variant of Uncertain Significance. Algorithms developed to predict the effect of missense changes on protein structure and function are either unavailable or do not agree on the potential impact of this missense change (SIFT: "Deleterious"; PolyPhen-2: "Probably Damaging"; Align-GVGD: "Class C15"). This variant has not been reported in the literature in individuals with KIAA1549-related conditions. This variant is present in population databases (rs779518864, ExAC 0.001%). This sequence change replaces arginine with cysteine at codon 1325 of the KIAA1549 protein (p.Arg1325Cys). The arginine residue is highly conserved and there is a large physicochemical difference between arginine and cysteine.

Blueprint Genetics
Classification: Uncertain significance. Last evaluated: 2020-12-31. Review status: criteria provided, single submitter. Criteria: ACMG Guidelines, 2015. Collection method: clinical testing. Allele origin: germline.

Breakthrough Genomics
Classification: Uncertain significance. Review status: criteria provided, single submitter. Criteria: ACMG Guidelines, 2015. Collection method: not provided. Allele origin: germline. Inheritance: Autosomal recessive inheritance. Affected: yes.

NM_001164665.2(KIAA1549):c.3973C>T (p.Arg1325Cys)

Gene: KIAA1549 (KIAA1549; minus strand). Cytogenetic location: 7q34.
Variant type: single nucleotide variant.
Coding change: c.3973C>T on transcript NM_001164665.2 (MANE Select); coding-DNA position 3973, C replaced by T.
Protein change: p.Arg1325Cys; replaces arginine 1325 with cysteine.
Molecular consequence: missense variant.
Genome position (GRCh38, 1-based): chr7:138,894,401, G>A on the plus strand (C>T on the coding strand, the complement: KIAA1549 is on the minus strand). VCF-style: chr7-138894401-G-A. GRCh37 (hg19) VCF-style: chr7-138579147-G-A.
Other names: c.3973C>T, p.Arg1325Cys (NM_020910.3); short protein forms R1325C.
Identifiers: ClinVar variation 999224 (VCV000999224.11), dbSNP rs779518864, ClinGen allele CA4506054.
Genomic context (GRCh38, chr7:138,894,401, plus strand): 5'-CCTTCTGACGCTGCTGAATGTTGGCCACAGTGTCAGGCTGAAAGTCTAGCTTGTCTGTGC[G>A]GCATAGTTTCCAGTAGAGGATGACAACAATCACCATCACCACCAGCACTGGGATGACCAC-3'
Protein context (NP_001158137.1, residues 1315-1335): IVVILYWKLC[Arg1325Cys]TDKLDFQPDT